The following is an entry in ClinVar:

ClinVar aggregate classification (germline): Uncertain significance (1 of 4 stars; one submission).

Conditions:
RASopathy. Also called: Noonan spectrum disorder; rasopathies. Identifiers: Orphanet 536391, MedGen C5555857, MONDO:0021060.

Allele frequency attached by ClinVar (database versions not stated): gnomAD exomes below 0.00001; gnomAD 0.00001.
gnomAD v4.1: 3 of 1,611,978 alleles (0.00019%); highest among the groups gnomAD compares: African/African-American, 0.0013%; no homozygotes.

Submission:

Labcorp Genetics (formerly Invitae), Labcorp
Classification: Uncertain significance for RASopathy. Last evaluated: 2023-10-20. Review status: criteria provided, single submitter. Criteria: Invitae Variant Classification Sherloc (09022015). Collection method: clinical testing. Allele origin: germline.
Comment: This sequence change replaces alanine, which is neutral and non-polar, with valine, which is neutral and non-polar, at codon 708 of the SOS1 protein (p.Ala708Val). This variant is not present in population databases (gnomAD no frequency). This variant has not been reported in the literature in individuals affected with SOS1-related conditions. ClinVar contains an entry for this variant (Variation ID: 2164303). Advanced modeling of protein sequence and biophysical properties (such as structural, functional, and spatial information, amino acid conservation, physicochemical variation, residue mobility, and thermodynamic stability) performed at Invitae indicates that this missense variant is not expected to disrupt SOS1 protein function. In summary, the available evidence is currently insufficient to determine the role of this variant in disease. Therefore, it has been classified as a Variant of Uncertain Significance.

NM_005633.4(SOS1):c.2123C>T (p.Ala708Val)

Gene: SOS1 (SOS Ras/Rac guanine nucleotide exchange factor 1; minus strand). Cytogenetic location: 2p22.1.
Variant type: single nucleotide variant.
Coding change: c.2123C>T on transcript NM_005633.4 (MANE Select); coding-DNA position 2123, C replaced by T.
Protein change: p.Ala708Val; replaces alanine 708 with valine.
Molecular consequence: missense variant.
Genome position (GRCh38, 1-based): chr2:39,013,504, G>A on the plus strand (C>T on the coding strand, the complement: SOS1 is on the minus strand). VCF-style: chr2-39013504-G-A. GRCh37 (hg19) VCF-style: chr2-39240645-G-A.
Other names: c.2102C>T, p.Ala701Val (NM_001382394.1); c.2123C>T, p.Ala708Val (NM_001382395.1); short protein forms A701V, A708V.
Identifiers: ClinVar variation 2164303 (VCV002164303.4), dbSNP rs1669532828, ClinGen allele CA346364592.